The following is an entry in ClinVar:

ClinVar aggregate classification (germline): Uncertain significance (1 of 4 stars; one submission).

Submission:

Labcorp Genetics (formerly Invitae), Labcorp
Classification: Uncertain significance. Last evaluated: 2024-02-12. Review status: criteria provided, single submitter. Criteria: Invitae Variant Classification Sherloc (09022015). Collection method: clinical testing. Allele origin: germline.
Comment: This sequence change replaces glycine, which is neutral and non-polar, with serine, which is neutral and polar, at codon 934 of the MSH3 protein (p.Gly934Ser). This variant is not present in population databases (gnomAD no frequency). This variant has not been reported in the literature in individuals affected with MSH3-related conditions. ClinVar contains an entry for this variant (Variation ID: 2005556). An algorithm developed to predict the effect of missense changes on protein structure and function (PolyPhen-2) suggests that this variant is likely to be disruptive. In summary, the available evidence is currently insufficient to determine the role of this variant in disease. Therefore, it has been classified as a Variant of Uncertain Significance.

NM_002439.5(MSH3):c.2800G>A (p.Gly934Ser)

Gene: MSH3 (mutS homolog 3; plus strand). Cytogenetic location: 5q14.1.
Variant type: single nucleotide variant.
Coding change: c.2800G>A on transcript NM_002439.5 (MANE Select); coding-DNA position 2800, G replaced by A.
Protein change: p.Gly934Ser; replaces glycine 934 with serine.
Molecular consequence: missense variant.
Genome position (GRCh38, 1-based): chr5:80,813,728, G>A. VCF-style: chr5-80813728-G-A. GRCh37 (hg19) VCF-style: chr5-80109547-G-A.
Other names: short protein forms G934S.
Identifiers: ClinVar variation 2005556 (VCV002005556.4), dbSNP rs752392020, ClinGen allele CA360274099.